The following is an entry in ClinVar:

NM_000245.4(MET):c.79A>T (p.Lys27Ter)

Gene: MET (MET proto-oncogene, receptor tyrosine kinase; plus strand). Cytogenetic location: 7q31.2.
Variant type: single nucleotide variant.
Coding change: c.79A>T on transcript NM_000245.4 (MANE Select); coding-DNA position 79, A replaced by T.
Protein change: p.Lys27Ter; replaces lysine 27 with a stop codon.
Molecular consequence: nonsense. On other transcripts: intron variant (1).
Genome position (GRCh38, 1-based): chr7:116,699,163, A>T. VCF-style: chr7-116699163-A-T. GRCh37 (hg19) VCF-style: chr7-116339217-A-T.
Other names: c.79A>T, p.Lys27Ter (NM_001127500.3, NM_001324401.3); c.-91+26586A>T (NM_001324402.2); short protein forms K27*.
Identifiers: ClinVar variation 1442248 (VCV001442248.6), dbSNP rs2116579656, ClinGen allele CA368968296.
Genomic context (GRCh38, chr7:116,699,163, plus strand): 5'-CTTGCACCTGGCATCCTCGTGCTCCTGTTTACCTTGGTGCAGAGGAGCAATGGGGAGTGT[A>T]AAGAGGCACTAGCAAAGTCCGAGATGAATGTGAATATGAAGTATCAGCTTCCCAACTTCA-3'

ClinVar aggregate classification (germline): Uncertain significance (1 of 4 stars; one submission).

Conditions:
Renal cell carcinoma. Identifiers: Orphanet 217071, MedGen C0007134, MeSH D002292, MONDO:0005086, HP:0005584.

Submission:

Labcorp Genetics (formerly Invitae), Labcorp
Classification: Uncertain significance for Renal cell carcinoma. Last evaluated: 2021-05-04. Review status: criteria provided, single submitter. Criteria: Invitae Variant Classification Sherloc (09022015). Collection method: clinical testing. Allele origin: germline.
Comment: In summary, the available evidence is currently insufficient to determine the role of this variant in disease. Therefore, it has been classified as a Variant of Uncertain Significance. This variant has not been reported in the literature in individuals with MET-related conditions. This variant is not present in population databases (ExAC no frequency). This sequence change creates a premature translational stop signal (p.Lys27*) in the MET gene. It is expected to result in an absent or disrupted protein product. However, the current clinical and genetic evidence is not sufficient to establish whether loss-of-function variants in MET cause disease.